The following is an entry in ClinVar:

NM_001752.4(CAT):c.1494C>T (p.Asp498=)

Gene: CAT (catalase; plus strand). Cytogenetic location: 11p13.
Variant type: single nucleotide variant.
Coding change: c.1494C>T on transcript NM_001752.4 (MANE Select); coding-DNA position 1494, C replaced by T.
Protein change: p.Asp498=; no amino-acid change (aspartic acid 498 retained).
Molecular consequence: synonymous variant.
Genome position (GRCh38, 1-based): chr11:34,471,017, C>T. VCF-style: chr11-34471017-C-T. GRCh37 (hg19) VCF-style: chr11-34492564-C-T.
Identifiers: ClinVar variation 3358173 (VCV003358173.1).
Genomic context (GRCh38, chr11:34,471,017, plus strand): 5'-GGTCAAGAACTTCACTGAGGTCCACCCTGACTACGGGAGCCACATCCAGGCTCTTCTGGA[C>T]AAGTACAATGCTGAGAAGCCTAAGGTAAGCTGGGAGCAGCCTGGCCATGCAGAGGCTGTG-3'
Protein context (NP_001743.1, residues 488-508): DYGSHIQALL[Asp498=]KYNAEKPKNA

ClinVar aggregate classification (germline): Likely benign (0 of 4 stars; one submission).

Conditions:
CAT-related disorder. Also called: CAT-related condition.

gnomAD v4.1: 18 of 1,614,034 alleles (0.0011%); highest among the groups gnomAD compares: Admixed American, 0.028%; no homozygotes.

Submission:

PreventionGenetics, part of Exact Sciences
Classification: Likely benign for CAT-related condition. Last evaluated: 2019-08-15. Review status: no assertion criteria provided. Collection method: clinical testing. Allele origin: germline.
Comment: This variant is classified as likely benign based on ACMG/AMP sequence variant interpretation guidelines (Richards et al. 2015 PMID: 25741868, with internal and published modifications).